The following is an entry in ClinVar:

ClinVar aggregate classification (germline): Uncertain significance (1 of 4 stars; one submission).

Conditions:
Familial cancer of breast. Also called: hereditary breast carcinoma; BREAST CANCER, FAMILIAL; Hereditary breast cancer. Identifiers: Orphanet 227535, MedGen C0346153, MONDO:0016419, OMIM 114480. Disease mechanism: loss of function.

Submission:

Labcorp Genetics (formerly Invitae), Labcorp
Classification: Uncertain significance for Familial cancer of breast. Last evaluated: 2018-11-16. Review status: criteria provided, single submitter. Criteria: Invitae Variant Classification Sherloc (09022015). Collection method: clinical testing. Allele origin: germline.
Comment: This sequence change replaces proline with serine at codon 187 of the PALB2 protein (p.Pro187Ser). The proline residue is moderately conserved and there is a moderate physicochemical difference between proline and serine. In summary, the available evidence is currently insufficient to determine the role of this variant in disease. Therefore, it has been classified as a Variant of Uncertain Significance. Algorithms developed to predict the effect of missense changes on protein structure and function output the following: SIFT: "Tolerated"; PolyPhen-2: "Possibly Damaging"; Align-GVGD: "Class C0". The serine amino acid residue is found in multiple mammalian species, suggesting that this missense change does not adversely affect protein function. These predictions have not been confirmed by published functional studies and their clinical significance is uncertain. This variant has not been reported in the literature in individuals with PALB2-related disease. This variant is not present in population databases (ExAC no frequency).

NM_024675.4(PALB2):c.559C>T (p.Pro187Ser)

Gene: PALB2 (partner and localizer of BRCA2; minus strand). Cytogenetic location: 16p12.2.
Variant type: single nucleotide variant.
Coding change: c.559C>T on transcript NM_024675.4 (MANE Select); coding-DNA position 559, C replaced by T.
Protein change: p.Pro187Ser; replaces proline 187 with serine.
Molecular consequence: missense variant.
Genome position (GRCh38, 1-based): chr16:23,635,987, G>A on the plus strand (C>T on the coding strand, the complement: PALB2 is on the minus strand). VCF-style: chr16-23635987-G-A. GRCh37 (hg19) VCF-style: chr16-23647308-G-A.
Other names: short protein forms P187S.
Identifiers: ClinVar variation 653253 (VCV000653253.9), dbSNP rs1597098885, ClinGen allele CA395136830.